The following is an entry in ClinVar:

ClinVar aggregate classification (germline): Uncertain significance (1 of 4 stars; one submission).

Submission:

Ambry Genetics
Classification: Uncertain significance. Last evaluated: 2026-07-01. Review status: criteria provided, single submitter. Criteria: Ambry Variant Classification Scheme 2023. Collection method: clinical testing. Allele origin: germline.
Comment: The p.Q26H variant (also known as c.78G>T), located in coding exon 1 of the TET2 gene, results from a G to T substitution at nucleotide position 78. The glutamine at codon 26 is replaced by histidine, an amino acid with highly similar properties. This amino acid position is conserved. In addition, this alteration is predicted to be tolerated by in silico analysis. Based on the available evidence, the clinical significance of this variant remains unclear.

NM_001127208.3(TET2):c.78G>T (p.Gln26His)

Genes: TET2 (tet methylcytosine dioxygenase 2; plus strand), TET2-AS1 (TET2 antisense RNA 1; minus strand). Cytogenetic location: 4q24.
Variant type: single nucleotide variant.
Coding change: c.78G>T on transcript NM_001127208.3 (MANE Select); coding-DNA position 78, G replaced by T.
Protein change: p.Gln26His; replaces glutamine 26 with histidine.
Molecular consequence: missense variant.
Genome position (GRCh38, 1-based): chr4:105,234,020, G>T. VCF-style: chr4-105234020-G-T. GRCh37 (hg19) VCF-style: chr4-106155177-G-T.
Other names: c.78G>T, p.Gln26His (NM_017628.4); short protein forms Q26H.
Identifiers: ClinVar variation 5030691 (VCV005030691.1).